The following is an entry in ClinVar:

NM_201384.3(PLEC):c.5602C>T (p.Arg1868Trp)

Gene: PLEC (plectin; minus strand). Cytogenetic location: 8q24.3.
Variant type: single nucleotide variant.
Coding change: c.5602C>T on transcript NM_201384.3 (MANE Select); coding-DNA position 5602, C replaced by T.
Protein change: p.Arg1868Trp; replaces arginine 1868 with tryptophan.
Molecular consequence: missense variant.
Genome position (GRCh38, 1-based): chr8:143,924,327, G>A on the plus strand (C>T on the coding strand, the complement: PLEC is on the minus strand). VCF-style: chr8-143924327-G-A. GRCh37 (hg19) VCF-style: chr8-144998495-G-A.
Other names: c.5683C>T, p.Arg1895Trp (NM_000445.5); c.5560C>T, p.Arg1854Trp (NM_201378.4); c.5536C>T, p.Arg1846Trp (NM_201379.3); c.6013C>T, p.Arg2005Trp (NM_201380.4); c.5506C>T, p.Arg1836Trp (NM_201381.3); c.5602C>T, p.Arg1868Trp (NM_201382.4); c.5614C>T, p.Arg1872Trp (NM_201383.3); short protein forms R1836W, R1846W, R2005W, R1854W, R1868W, R1872W, R1895W.
Identifiers: ClinVar variation 471610 (VCV000471610.33), dbSNP rs200543521, ClinGen allele CA4926305.
Genomic context (GRCh38, chr8:143,924,327, plus strand): 5'-TGTGTTGCGCGGCCTGCTCCTCCAGCCGCCGCCGCTGGAAGGCCTCGTCCTCCGCCAGCC[G>A]CCGCAGGCGCTCGTTCTCCGCCTCCTTCTCCTTGAGCGCGATCTCCGCCTCCGTCTTGAG-3'
Protein context (NP_958786.1, residues 1858-1878): EKEAENERLR[Arg1868Trp]LAEDEAFQRR

ClinVar aggregate classification (germline): Conflicting classifications of pathogenicity. Review status: criteria provided, conflicting classifications (1 of 4 stars). 6 submissions from 6 submitters: Uncertain significance (1); Benign (1); Likely benign (4). Last evaluated 2026-09-01.

Conditions:
PLEC-related disorder. Also called: PLEC-related condition; PLEC-related disorders.
Epidermolysis bullosa simplex 5C, with pyloric atresia (EBS5C). Also called: PLEC-Related Epidermolysis Bullosa with Pyloric Atresia; PLEC1-Related Epidermolysis Bullosa with Pyloric Atresia; Epidermolysis bullosa simplex with pyloric atresia. Identifiers: Orphanet 158684, MedGen C2677349, MONDO:0012807, OMIM 612138.
Autosomal recessive limb-girdle muscular dystrophy type 2Q (LGMDR17). Also called: MUSCULAR DYSTROPHY, LIMB-GIRDLE, AUTOSOMAL RECESSIVE 17. Identifiers: Orphanet 254361, MedGen C3150989, MONDO:0013390, OMIM 613723.
Epidermolysis bullosa simplex with nail dystrophy (EBS5D). Identifiers: MedGen C4225309, MONDO:0014661, OMIM 616487.
Epidermolysis bullosa simplex, Ogna type (EBS5A). Also called: Pidermolysis bullosa simplex 5A, Ogna type; EPIDERMOLYSIS BULLOSA SIMPLEX 5A, OGNA TYPE. Identifiers: Orphanet 79401, MedGen C0432317, MONDO:0007555, OMIM 131950.
Epidermolysis bullosa simplex 5B, with muscular dystrophy (EBS5B). Also called: EPIDERMOLYSIS BULLOSA SIMPLEX AND LIMB-GIRDLE MUSCULAR DYSTROPHY; Epidermolysis bullosa simplex with muscular dystrophy. Identifiers: Orphanet 257, MedGen C2931072, MONDO:0009181, OMIM 226670.

Allele frequency attached by ClinVar (database versions not stated): 1000 Genomes Project 0.00040; gnomAD 0.00059; TOPMed 0.00061; ESP Exome Variant Server 0.00069; gnomAD exomes 0.00072; ExAC 0.00076; 1000 Genomes Project 30x 0.00078.
gnomAD v4.1: 1,532 of 1,595,946 alleles (0.096%); highest among the groups gnomAD compares: Non-Finnish European, 0.11%; 4 homozygotes.

Submissions (6):

CeGaT Center for Human Genetics Tuebingen
Classification: Likely benign. Last evaluated: 2026-09-01. Review status: criteria provided, single submitter. Criteria: CeGaT Center For Human Genetics Tuebingen Variant Classification Criteria Version 2. Collection method: clinical testing. Allele origin: germline. Affected: yes. Observed: 2 variant alleles.
Comment: PLEC: PP3, BS2

Labcorp Genetics (formerly Invitae), Labcorp
Classification: Benign for Autosomal recessive limb-girdle muscular dystrophy type 2Q; Epidermolysis bullosa simplex, Ogna type; Epidermolysis bullosa simplex with nail dystrophy; Epidermolysis bullosa simplex 5C, with pyloric atresia; Epidermolysis bullosa simplex 5B, with muscular dystrophy. Last evaluated: 2026-01-26. Review status: criteria provided, single submitter. Criteria: Invitae Variant Classification Sherloc (09022015). Collection method: clinical testing. Allele origin: germline.

Women's Health and Genetics/Laboratory Corporation of America, LabCorp
Classification: Likely benign. Last evaluated: 2025-09-24. Review status: criteria provided, single submitter. Criteria: LabCorp Variant Classification Summary - May 2015. Collection method: clinical testing. Allele origin: germline.
Comment: Variant summary: PLEC c.5683C>T (p.Arg1895Trp) results in a non-conservative amino acid change in the encoded protein sequence. Algorithms developed to predict the effect of missense changes on protein structure and function all suggest that this variant is likely to be disruptive. The variant allele was found at a frequency of 0.00072 in 217934 control chromosomes, predominantly at a frequency of 0.0011 within the Non-Finnish European subpopulation in the gnomAD database v2. This frequency is not significantly higher than estimated for disease-causing variants in PLEC, allowing no conclusion about variant significance. A total of 4 homozygotes were reported in the gnomAD database v4. To our knowledge, no occurrence of c.5683C>T in individuals affected with PLEC-related conditions and no experimental evidence demonstrating its impact on protein function have been reported. ClinVar contains an entry for this variant (Variation ID: 471610). Based on the evidence outlined above, the variant was classified as likely benign.

PreventionGenetics, part of Exact Sciences
Classification: Likely benign for PLEC-related condition. Last evaluated: 2025-01-27. Review status: criteria provided, single submitter. Criteria: ACMG Guidelines, 2015. Collection method: clinical testing. Allele origin: germline.
Comment: This variant is classified as likely benign based on ACMG/AMP sequence variant interpretation guidelines (Richards et al. 2015 PMID: 25741868, with internal and published modifications).

Blueprint Genetics
Classification: Likely benign. Last evaluated: 2024-11-27. Review status: criteria provided, single submitter. Criteria: ACMG Guidelines, 2015. Collection method: clinical testing. Allele origin: germline.

GeneDx
Classification: Uncertain significance. Last evaluated: 2021-11-22. Review status: criteria provided, single submitter. Criteria: GeneDx Variant Classification Process June 2021. Collection method: clinical testing. Allele origin: germline. Affected: yes.
Comment: Identified, with two other PLEC variants, in two siblings with limb girdle muscular dystrophy and myasthenic symptoms in published literature (Fattahi et al., 2015); observed with a loss-of-function variant on the same allele (in cis); Missense variant in a gene in which most reported pathogenic variants are truncating/loss-of-function; In silico analysis supports that this missense variant has a deleterious effect on protein structure/function; This variant is associated with the following publications: (PMID: 25556389)